The following is an entry in ClinVar:

ClinVar aggregate classification (germline): Conflicting classifications of pathogenicity. Review status: criteria provided, conflicting classifications (1 of 4 stars). 2 submissions from 2 submitters: Uncertain significance (1); Likely benign (1). Last evaluated 2023-10-30.

Conditions:
Congenital myasthenic syndrome 8. Also called: Myasthenic syndrome, congenital, 8, with pre- and postsynaptic defects; MYASTHENIC SYNDROME, CONGENITAL, DUE TO AGRIN DEFICIENCY. Identifiers: Orphanet 590, MedGen C3808739, MONDO:0014052, OMIM 615120.

Allele frequency attached by ClinVar (database versions not stated): gnomAD exomes 0.00001; TOPMed 0.00001.

Submissions (2):

Blueprint Genetics
Classification: Likely benign. Last evaluated: 2023-10-30. Review status: criteria provided, single submitter. Criteria: ACMG Guidelines, 2015. Collection method: clinical testing. Allele origin: germline.

Labcorp Genetics (formerly Invitae), Labcorp
Classification: Uncertain significance for Congenital myasthenic syndrome 8. Last evaluated: 2023-10-03. Review status: criteria provided, single submitter. Criteria: Invitae Variant Classification Sherloc (09022015). Collection method: clinical testing. Allele origin: germline.
Comment: This sequence change falls in intron 23 of the AGRN gene. It does not directly change the encoded amino acid sequence of the AGRN protein. It affects a nucleotide within the consensus splice site. This variant is not present in population databases (gnomAD no frequency). This variant has not been reported in the literature in individuals affected with AGRN-related conditions. ClinVar contains an entry for this variant (Variation ID: 1047690). Variants that disrupt the consensus splice site are a relatively common cause of aberrant splicing (PMID: 17576681, 9536098). Algorithms developed to predict the effect of sequence changes on RNA splicing suggest that this variant is not likely to affect RNA splicing. In summary, the available evidence is currently insufficient to determine the role of this variant in disease. Therefore, it has been classified as a Variant of Uncertain Significance.

Literature cited by the submitters: PubMed 17576681 (cited by Labcorp Genetics (formerly Invitae), Labcorp); PubMed 9536098 (cited by Labcorp Genetics (formerly Invitae), Labcorp).

NM_198576.4(AGRN):c.4106-3C>T

Gene: AGRN (agrin; plus strand). Cytogenetic location: 1p36.33.
Variant type: single nucleotide variant.
Coding change: c.4106-3C>T on transcript NM_198576.4 (MANE Select); 3 bases into the intron before coding-DNA position 4106, C replaced by T.
Molecular consequence: intron variant.
Genome position (GRCh38, 1-based): chr1:1,048,864, C>T. VCF-style: chr1-1048864-C-T. GRCh37 (hg19) VCF-style: chr1-984244-C-T.
Other names: c.4106-3C>T (NM_001305275.2); c.3791-3C>T (NM_001364727.2).
Identifiers: ClinVar variation 1047690 (VCV001047690.7), dbSNP rs1304973610, ClinGen allele CA884899075.